The following is an entry in ClinVar:

ClinVar aggregate classification (germline): Benign/Likely benign. Review status: criteria provided, multiple submitters, no conflicts (2 of 4 stars). 5 submissions from 5 submitters: Benign (2); Likely benign (1). 2 of the submissions do not count toward it. Last evaluated 2025-12-03.

Conditions:
ATRX-related disorder. Also called: ATRX-related condition.
Alpha thalassemia-X-linked intellectual disability syndrome (ATRX). Also called: ATR-X syndrome; Alpha thalassemia mental retardation syndrome, nondeletion type, X-linked; XLMR hypotonic face syndrome; ALPHA-THALASSEMIA/MENTAL RETARDATION SYNDROME, X-LINKED; ATR, NONDELETION TYPE; X-linked alpha-thalassemia-mental retardation syndrome. Identifiers: Orphanet 847, MedGen C1845055, MONDO:0010519, OMIM 301040.

Allele frequency attached by ClinVar (database versions not stated): 1000 Genomes Project 30x 0.00021; TOPMed 0.00029; ExAC 0.00062; ESP Exome Variant Server 0.00009; gnomAD 0.00048 and 0.00049; gnomAD exomes 0.00059 and 0.00034; 1000 Genomes Project 0.00026.
gnomAD v4.1: 423 of 1,204,772 alleles (0.035%); highest among the groups gnomAD compares: Non-Finnish European, 0.028%; no homozygotes.

Submissions (5):

Labcorp Genetics (formerly Invitae), Labcorp
Classification: Benign for Alpha thalassemia-X-linked intellectual disability syndrome. Last evaluated: 2025-12-03. Review status: criteria provided, single submitter. Criteria: Invitae Variant Classification Sherloc (09022015). Collection method: clinical testing. Allele origin: germline.

Laboratory of Genetics, Children's Clinical University Hospital Latvia
Classification: Benign. Last evaluated: 2025-02-16. Review status: criteria provided, single submitter. Criteria: ACMG Guidelines, 2015. Collection method: clinical testing. Allele origin: germline. Affected: yes.

Blueprint Genetics
Classification: Likely benign. Last evaluated: 2024-10-09. Review status: criteria provided, single submitter. Criteria: ACMG Guidelines, 2015. Collection method: clinical testing. Allele origin: germline.

PreventionGenetics, part of Exact Sciences
Classification: Likely benign for ATRX-related condition. Last evaluated: 2023-12-26. Review status: no assertion criteria provided. Collection method: clinical testing. Allele origin: germline. Not counted in ClinVar's aggregate classification.
Comment: This variant is classified as likely benign based on ACMG/AMP sequence variant interpretation guidelines (Richards et al. 2015 PMID: 25741868, with internal and published modifications).

Natera, Inc.
Classification: Likely benign for X-linked alpha-thalassemia-mental retardation syndrome. Last evaluated: 2020-02-25. Review status: no assertion criteria provided. Collection method: clinical testing. Allele origin: germline. Not counted in ClinVar's aggregate classification.

NM_000489.6(ATRX):c.2923G>A (p.Asp975Asn)

Gene: ATRX (ATRX chromatin remodeler; minus strand). Cytogenetic location: Xq21.1.
Variant type: single nucleotide variant.
Coding change: c.2923G>A on transcript NM_000489.6 (MANE Select); coding-DNA position 2923, G replaced by A.
Protein change: p.Asp975Asn; replaces aspartic acid 975 with asparagine.
Molecular consequence: missense variant.
Genome position (GRCh38, 1-based): chrX:77,682,333, C>T on the plus strand (G>A on the coding strand, the complement: ATRX is on the minus strand). VCF-style: chrX-77682333-C-T. GRCh37 (hg19) VCF-style: chrX-76937825-C-T.
Other names: c.2809G>A, p.Asp937Asn (NM_138270.5); short protein forms D937N, D975N.
Identifiers: ClinVar variation 696966 (VCV000696966.19), dbSNP rs200709847, ClinGen allele CA10458017.
Genomic context (GRCh38, chrX:77,682,333, plus strand): 5'-GTTTCTTTTTTTCTTCAGTTCCCTTTTTGCTCTGCTTTTTATCATCTTCAGAAGTTTCAT[C>T]GCTCTGGTCTTTCTTTAGGAATTTCTCTGCAATATCAGATAAGCCATCCTGTACTTTTTT-3'
Protein context (NP_000480.3, residues 965-985): AEKFLKKDQS[Asp975Asn]ETSEDDKKQS